The following is an entry in ClinVar:

NM_014516.4(CNOT3):c.1281C>T (p.Thr427=)

Gene: CNOT3 (CCR4-NOT transcription complex subunit 3; plus strand). Cytogenetic location: 19q13.42.
Variant type: single nucleotide variant.
Coding change: c.1281C>T on transcript NM_014516.4 (MANE Select); coding-DNA position 1281, C replaced by T.
Protein change: p.Thr427=; no amino-acid change (threonine 427 retained).
Molecular consequence: synonymous variant.
Genome position (GRCh38, 1-based): chr19:54,148,534, C>T. VCF-style: chr19-54148534-C-T. GRCh37 (hg19) VCF-style: chr19-54652269-C-T.
Identifiers: ClinVar variation 2083944 (VCV002083944.4), dbSNP rs759815446, ClinGen allele CA309339689.

ClinVar aggregate classification (germline): Uncertain significance (1 of 4 stars; one submission).

Allele frequency attached by ClinVar (database versions not stated): TOPMed below 0.00001; ExAC 0.00002; gnomAD exomes 0.00002.
gnomAD v4.1: 22 of 1,563,402 alleles (0.0014%); highest among the groups gnomAD compares: Non-Finnish European, 0.0019%; no homozygotes.

Submission:

Labcorp Genetics (formerly Invitae), Labcorp
Classification: Uncertain significance. Last evaluated: 2022-01-15. Review status: criteria provided, single submitter. Criteria: Invitae Variant Classification Sherloc (09022015). Collection method: clinical testing. Allele origin: germline.
Comment: This sequence change affects codon 427 of the CNOT3 mRNA. It is a 'silent' change, meaning that it does not change the encoded amino acid sequence of the CNOT3 protein. It affects a nucleotide within the consensus splice site. This variant is not present in population databases (gnomAD no frequency). This variant has not been reported in the literature in individuals affected with CNOT3-related conditions. Algorithms developed to predict the effect of sequence changes on RNA splicing suggest that this variant is not likely to affect RNA splicing. In summary, the available evidence is currently insufficient to determine the role of this variant in disease. Therefore, it has been classified as a Variant of Uncertain Significance.